The following is an entry in ClinVar:

ClinVar aggregate classification (germline): Likely benign. Review status: reviewed by expert panel (3 of 4 stars). 6 submissions from 6 submitters: Likely benign (1). 5 of the submissions do not count toward it. Last evaluated 2025-05-21.

Conditions:
TECTA-related disorder. Also called: TECTA-related condition.
Nonsyndromic genetic hearing loss. Also called: Nonsyndromic hearing loss and deafness; Nonsyndromic genetic deafness; Non-syndromic genetic deafness. Identifiers: Orphanet 87884, MedGen C5680182, MONDO:0019497.

Allele frequency attached by ClinVar (database versions not stated): ExAC 0.00033; 1000 Genomes Project 0.00080; 1000 Genomes Project 30x 0.00094; ESP Exome Variant Server 0.00123; TOPMed 0.00135.

Submissions (6):

ClinGen Hearing Loss Variant Curation Expert Panel
Classification: Likely benign for Nonsyndromic genetic hearing loss. Last evaluated: 2025-05-21. Review status: reviewed by expert panel. Criteria: Clingen Hl Acmg Specifications Cdh23 Coch Gjb2 Kcnq4 Myo6 Myo7a Slc26a4 Tecta Ush2a V2. Collection method: curation. Allele origin: germline. Inheritance: Autosomal recessive inheritance.
Comment: The c.4004G>A variant in TECTA is a missense variant predicted to cause substitution of glycine by glutamic acid at amino acid 1335. The filtering allele frequency of this variant in gnomAD v4.1 is 0.2865% in the African/African American population, and there was agreement to apply BS1, which has a threshold of 0.3% for the ClinGen Hearing Loss group. The computational predictor REVEL gives a score of 0.35, which is neither above nor below the thresholds predicting a damaging or benign impact on TECTA function (BP4 and PP3 not met). The variant has been detected in heterozygosity in 1 individual with sloping moderately-severe sensorineural hearing loss, but no variant on the other allele was identified (Partners LMM internal data, SCV000711207.2). This variant has been observed in the heterozygous state and in combination with a second variant (phase unknown) in individuals undergoing testing for hearing loss (GeneDx internal data, SCV001770060.3). The variant has also been detected with another TECTA variant of uncertain significance in phase unknown in a patient with bilateral sensorineural hearing loss, and in the homozygous state in a patient with sensorineural hearing loss (Labcorp internal data, SCV001051355.5). In summary, this variant meets criteria to be classified as likely benign for autosomal recessive nonsyndromic hearing loss based on the ACMG/AMP criteria applied as specified by the Hearing Loss Expert Panel: BS1 (ClinGen Hearing Loss VCEP specifications version 2; 5/21/2025).

PreventionGenetics, part of Exact Sciences
Classification: Likely benign for TECTA-related condition. Last evaluated: 2025-12-01. Review status: criteria provided, single submitter. Criteria: ACMG Guidelines, 2015. Collection method: clinical testing. Allele origin: germline. Not counted in ClinVar's aggregate classification.
Comment: This variant is classified as likely benign based on ACMG/AMP sequence variant interpretation guidelines (Richards et al. 2015 PMID: 25741868, with internal and published modifications).

Labcorp Genetics (formerly Invitae), Labcorp
Classification: Likely benign. Last evaluated: 2025-10-14. Review status: criteria provided, single submitter. Criteria: Invitae Variant Classification Sherloc (09022015). Collection method: clinical testing. Allele origin: germline. Not counted in ClinVar's aggregate classification.

GeneDx
Classification: Likely benign. Last evaluated: 2024-03-19. Review status: criteria provided, single submitter. Criteria: GeneDx Variant Classification Process June 2021. Collection method: clinical testing. Allele origin: germline. Affected: yes. Not counted in ClinVar's aggregate classification.
Comment: See Variant Classification Assertion Criteria.

Laboratory for Molecular Medicine, Mass General Brigham Personalized Medicine
Classification: Likely benign. Last evaluated: 2016-09-22. Review status: criteria provided, single submitter. Criteria: LMM Criteria. Collection method: clinical testing. Allele origin: germline. Observed: 1 variant allele. Not counted in ClinVar's aggregate classification.
Comment: p.Gly1335Glu in exon 11 of TECTA: This variant is not expected to have clinical significance because it has been identified in 0.3% (38/10052) of African chromo somes by the Exome Aggregation Consortium (ExAC; dbSNP rs148619105).

Eurofins Ntd Llc (ga)
Classification: Uncertain significance. Last evaluated: 2016-05-03. Review status: criteria provided, single submitter. Criteria: EGL Classification Definitions 2015. Collection method: clinical testing. Allele origin: germline. Observed: 1 variant allele, 1 heterozygote. Not counted in ClinVar's aggregate classification.

NM_005422.4(TECTA):c.4004G>A (p.Gly1335Glu)

Genes: TBCEL-TECTA (TBCEL-TECTA readthrough; plus strand), TECTA (tectorin alpha; plus strand). Cytogenetic location: 11q23.3.
Variant type: single nucleotide variant.
Coding change: c.4004G>A on transcript NM_005422.4 (MANE Select); coding-DNA position 4004, G replaced by A.
Protein change: p.Gly1335Glu; replaces glycine 1335 with glutamic acid.
Molecular consequence: missense variant.
Genome position (GRCh38, 1-based): chr11:121,146,015, G>A. VCF-style: chr11-121146015-G-A. GRCh37 (hg19) VCF-style: chr11-121016724-G-A.
Other names: NM_005422.2(TECTA):c.4004G>A; c.4961G>A, p.Gly1654Glu (NM_001378761.1); short protein forms G1335E, G1654E.
Identifiers: ClinVar variation 287165 (VCV000287165.28), dbSNP rs148619105, ClinGen allele CA6327326.